The following is an entry in ClinVar:

ClinVar aggregate classification (germline): Uncertain significance (1 of 4 stars; one submission).

Conditions:
Hereditary cancer-predisposing syndrome. Also called: Hereditary Cancer Syndrome; Hereditary neoplastic syndrome; Neoplastic Syndromes, Hereditary; Tumor predisposition. Identifiers: Orphanet 140162, MedGen C0027672, MeSH D009386, MONDO:0015356.

Submission:

Ambry Genetics
Classification: Uncertain significance for Hereditary cancer-predisposing syndrome. Last evaluated: 2021-06-24. Review status: criteria provided, single submitter. Criteria: Ambry Variant Classification Scheme 2023. Collection method: clinical testing. Allele origin: germline.
Comment: The c.5488_5493delGTCTGG variant (also known as p.V1830_W1831del) is located in coding exon 24 of the DICER1 gene. This variant results from an in-frame GTCTGG deletion at nucleotide positions 5488 to 5493. This results in the in-frame deletion of valine and tryptophan residues at codons 1830 and 1831. These amino acid positions are highly conserved in available vertebrate species. In addition, this alteration is predicted to be deleterious by in silico analysis (Choi Y et al. PLoS ONE. 2012; 7(10):e46688). Since supporting evidence is limited at this time, the clinical significance of this alteration remains unclear.

NM_177438.3(DICER1):c.5488_5493del (p.Val1830_Trp1831del)

Gene: DICER1 (dicer 1, ribonuclease III; minus strand). Cytogenetic location: 14q32.13.
Variant type: Deletion.
Coding change: c.5488_5493del on transcript NM_177438.3 (MANE Select); coding-DNA positions 5488 to 5493, 6 bases deleted (GTCTGG; older notation c.5488_5493delGTCTGG).
Protein change: p.Val1830_Trp1831del.
Molecular consequence: inframe deletion. On other transcripts: inframe indel (1), non-coding transcript variant (6), intron variant (1).
Genome position (GRCh38, 1-based): chr14:95,091,237-95,091,242, CCAGAC deleted on the plus strand (GTCTGG on the coding strand, the reverse complement: DICER1 is on the minus strand). VCF-style (leftmost placement, unchanged base first): chr14-95091236-GCCAGAC-G. GRCh37 (hg19) VCF-style: chr14-95557573-GCCAGAC-G.
Other names: c.5488_5493del, p.Val1830_Trp1831del (NM_001271282.3, NM_001291628.2, NM_001395677.1 and 7 more transcripts); c.5488_5493delGTCTGG, p.Val1830_Trp1831del (NM_001395681.1); c.5206_5211del, p.Val1736_Trp1737del (NM_001395686.1); c.5083_5088del, p.Val1695_Trp1696del (NM_001395687.1, NM_001395688.1, NM_001395689.1 and 1 more transcripts); c.4921_4926del, p.Val1641_Trp1642del (NM_001395691.1); c.3805_3810del, p.Val1269_Trp1270del (NM_001395697.1); c.5365-133_5365-128del (NM_001195573.1).
Identifiers: ClinVar variation 1747827 (VCV001747827.2), dbSNP rs2542404428, ClinGen allele CA2580088997.